The following is an entry in ClinVar:

NM_016938.5(EFEMP2):c.859dup (p.Cys287fs)

Gene: EFEMP2 (EGF-like fibulin extracellular matrix protein 2; minus strand). Cytogenetic location: 11q13.1.
Variant type: Duplication.
Coding change: c.859dup on transcript NM_016938.5 (MANE Select); coding-DNA position 859, one base duplicated (T; older notation c.859dupT).
Protein change: p.Cys287fs; shifts the reading frame from cysteine 287.
Molecular consequence: frameshift variant. On other transcripts: non-coding transcript variant (1).
Genome position (GRCh38, 1-based): chr11:65,868,410, A duplicated on the plus strand (T on the coding strand, the reverse complement: EFEMP2 is on the minus strand). VCF-style (leftmost placement, unchanged base first): chr11-65868409-C-CA. GRCh37 (hg19) VCF-style: chr11-65635880-C-CA.
Other names: c.859dup (NM_016938.4); short protein forms C287fs.
Identifiers: ClinVar variation 2067512 (VCV002067512.6), dbSNP rs1423701653, ClinGen allele CA679356020.

ClinVar aggregate classification (germline): Pathogenic/Likely pathogenic. Review status: criteria provided, multiple submitters, no conflicts (2 of 4 stars). 2 submissions from 2 submitters: Pathogenic (1); Likely pathogenic (1). Last evaluated 2026-10-02.

Conditions:
Cutis laxa, autosomal recessive, type 1B (ARCL1B). Also called: CUTIS LAXA, AUTOSOMAL RECESSIVE, TYPE IB; EFEMP2-Related Cutis Laxa. Identifiers: Orphanet 90349, MedGen C3280798, MONDO:0013754, OMIM 614437. Disease mechanism: loss of function.

Allele frequency attached by ClinVar (database versions not stated): TOPMed below 0.00001; gnomAD exomes below 0.00001.

Submissions (2):

GeneDx
Classification: Likely pathogenic. Last evaluated: 2026-10-02. Review status: criteria provided, single submitter. Criteria: GeneDx Variant Classification Process June 2021. Collection method: clinical testing. Allele origin: germline.
Comment: Frameshift variant predicted to result in protein truncation or nonsense mediated decay in a gene for which loss of function is a known mechanism of disease; Not observed at significant frequency in large population cohorts (gnomAD); Has not been previously published as pathogenic or benign to our knowledge

Labcorp Genetics (formerly Invitae), Labcorp
Classification: Pathogenic for Cutis laxa, autosomal recessive, type 1B. Last evaluated: 2023-11-18. Review status: criteria provided, single submitter. Criteria: Invitae Variant Classification Sherloc (09022015). Collection method: clinical testing. Allele origin: germline.
Comment: This sequence change creates a premature translational stop signal (p.Cys287Leufs*2) in the EFEMP2 gene. It is expected to result in an absent or disrupted protein product. Loss-of-function variants in EFEMP2 are known to be pathogenic (PMID: 17937443). This variant is not present in population databases (gnomAD no frequency). This variant has not been reported in the literature in individuals affected with EFEMP2-related conditions. ClinVar contains an entry for this variant (Variation ID: 2067512). For these reasons, this variant has been classified as Pathogenic.

Literature cited by the submitters: PubMed 17937443 (cited by Labcorp Genetics (formerly Invitae), Labcorp).